The following is an entry in ClinVar:

NM_001378964.1(CDON):c.3614C>T (p.Pro1205Leu)

Gene: CDON (cell adhesion associated, oncogene regulated; minus strand). Cytogenetic location: 11q24.2.
Variant type: single nucleotide variant.
Coding change: c.3614C>T on transcript NM_001378964.1 (MANE Select); coding-DNA position 3614, C replaced by T.
Protein change: p.Pro1205Leu; replaces proline 1205 with leucine.
Molecular consequence: missense variant.
Genome position (GRCh38, 1-based): chr11:125,961,741, G>A on the plus strand (C>T on the coding strand, the complement: CDON is on the minus strand). VCF-style: chr11-125961741-G-A. GRCh37 (hg19) VCF-style: chr11-125831636-G-A.
Other names: c.3614C>T, p.Pro1205Leu (NM_001243597.3, NM_016952.6); short protein forms P1205L.
Identifiers: ClinVar variation 2048107 (VCV002048107.5), dbSNP rs775150291, ClinGen allele CA6351364.

ClinVar aggregate classification (germline): Uncertain significance. Review status: criteria provided, multiple submitters, no conflicts (2 of 4 stars). 2 submissions from 2 submitters: Uncertain significance (2). Last evaluated 2024-03-01.

Conditions:
Holoprosencephaly 11 (HPE11). Identifiers: Orphanet 2162, MedGen C3280215, MONDO:0013642, OMIM 614226.
Inborn genetic diseases. Identifiers: MedGen C0950123, MeSH D030342.

Allele frequency attached by ClinVar (database versions not stated): ExAC 0.00002; gnomAD 0.00001; TOPMed 0.00001.
gnomAD v4.1: 12 of 1,614,022 alleles (0.00074%); highest among the groups gnomAD compares: Non-Finnish European, 0.00085%; no homozygotes.

Submissions (2):

Ambry Genetics
Classification: Uncertain significance for Inborn genetic diseases. Last evaluated: 2024-03-01. Review status: criteria provided, single submitter. Criteria: Ambry Variant Classification Scheme 2023. Collection method: clinical testing. Allele origin: germline.

Labcorp Genetics (formerly Invitae), Labcorp
Classification: Uncertain significance for Holoprosencephaly 11. Last evaluated: 2023-08-17. Review status: criteria provided, single submitter. Criteria: Invitae Variant Classification Sherloc (09022015). Collection method: clinical testing. Allele origin: germline.
Comment: ClinVar contains an entry for this variant (Variation ID: 2048107). This variant has not been reported in the literature in individuals affected with CDON-related conditions. This sequence change replaces proline, which is neutral and non-polar, with leucine, which is neutral and non-polar, at codon 1205 of the CDON protein (p.Pro1205Leu). This variant is present in population databases (rs775150291, gnomAD 0.003%). An algorithm developed to predict the effect of missense changes on protein structure and function (PolyPhen-2) suggests that this variant is likely to be tolerated. In summary, the available evidence is currently insufficient to determine the role of this variant in disease. Therefore, it has been classified as a Variant of Uncertain Significance.